The following is an entry in ClinVar:

NM_001844.5(COL2A1):c.3490-18G>A

Gene: COL2A1 (collagen type II alpha 1 chain; minus strand). Cytogenetic location: 12q13.11.
Variant type: single nucleotide variant.
Coding change: c.3490-18G>A on transcript NM_001844.5 (MANE Select); 18 bases into the intron before coding-DNA position 3490, G replaced by A.
Molecular consequence: intron variant.
Genome position (GRCh38, 1-based): chr12:47,976,088, C>T on the plus strand (G>A on the coding strand, the complement: COL2A1 is on the minus strand). VCF-style: chr12-47976088-C-T. GRCh37 (hg19) VCF-style: chr12-48369871-C-T.
Other names: c.3283-18G>A (NM_033150.3).
Identifiers: ClinVar variation 391857 (VCV000391857.8), dbSNP rs778292426, ClinGen allele CA6534725.

ClinVar aggregate classification (germline): Likely benign. Review status: criteria provided, multiple submitters, no conflicts (2 of 4 stars). 2 submissions from 2 submitters: Likely benign (2). Last evaluated 2025-01-24.

Allele frequency attached by ClinVar (database versions not stated): TOPMed below 0.00001; ExAC 0.00002.

Submissions (2):

Labcorp Genetics (formerly Invitae), Labcorp
Classification: Likely benign. Last evaluated: 2025-01-24. Review status: criteria provided, single submitter. Criteria: Invitae Variant Classification Sherloc (09022015). Collection method: clinical testing. Allele origin: germline.

GeneDx
Classification: Likely benign. Last evaluated: 2016-12-20. Review status: criteria provided, single submitter. Criteria: GeneDx Variant Classification (06012015). Collection method: clinical testing. Allele origin: germline. Affected: yes.
Comment: This variant is considered likely benign or benign based on one or more of the following criteria: it is a conservative change, it occurs at a poorly conserved position in the protein, it is predicted to be benign by multiple in silico algorithms, and/or has population frequency not consistent with disease.